The following is an entry in ClinVar:

ClinVar aggregate classification (germline): Uncertain significance (1 of 4 stars; one submission).

Conditions:
Early-infantile DEE. Also called: Early infantile epileptic encephalopathy; Ohtahara syndrome; Early infantile epileptic encephalopathy with suppression bursts. Identifiers: Orphanet 1934, MedGen C0393706, MONDO:0800491.

Submission:

Labcorp Genetics (formerly Invitae), Labcorp
Classification: Uncertain significance for Early-infantile DEE. Last evaluated: 2021-09-09. Review status: criteria provided, single submitter. Criteria: Invitae Variant Classification Sherloc (09022015). Collection method: clinical testing. Allele origin: germline.
Comment: This variant, c.3529_3531del, results in the deletion of 1 amino acid(s) of the SCN1A protein (p.Pro1177del), but otherwise preserves the integrity of the reading frame. This variant is not present in population databases (ExAC no frequency). This variant has not been reported in the literature in individuals affected with SCN1A-related conditions. Experimental studies and prediction algorithms are not available or were not evaluated, and the functional significance of this variant is currently unknown. In summary, the available evidence is currently insufficient to determine the role of this variant in disease. Therefore, it has been classified as a Variant of Uncertain Significance.

NM_001165963.4(SCN1A):c.3529_3531del (p.Pro1177del)

Genes: SCN1A (sodium voltage-gated channel alpha subunit 1; minus strand), LOC102724058 (uncharacterized LOC102724058; plus strand). Cytogenetic location: 2q24.3.
Variant type: Deletion.
Coding change: c.3529_3531del on transcript NM_001165963.4 (MANE Select); coding-DNA positions 3529 to 3531, 3 bases deleted (CCA; older notation c.3529_3531delCCA).
Protein change: p.Pro1177del; deletes proline 1177.
Molecular consequence: inframe deletion. On other transcripts: non-coding transcript variant (2).
Genome position (GRCh38, 1-based): chr2:166,015,626-166,015,628, TGG deleted on the plus strand (CCA on the coding strand, the reverse complement: SCN1A is on the minus strand); deleting any 3 consecutive bases within chr2:166,015,626-166,015,629 gives the same sequence; the c. name uses the placement nearest the transcript's 3' end. VCF-style (leftmost placement, unchanged base first): chr2-166015625-CTGG-C. GRCh37 (hg19) VCF-style: chr2-166872135-CTGG-C.
Other names: c.3493_3495del, p.Pro1165del (NM_001353954.2, NM_001353955.2); c.3445_3447del, p.Pro1149del (NM_001353957.2, NM_001353958.2, NM_001165964.3); c.3442_3444del, p.Pro1148del (NM_001353960.2); c.1087_1089del, p.Pro363del (NM_001353961.2); c.3496_3498del, p.Pro1166del (NM_006920.6, NM_001353949.2, NM_001353950.2 and 2 more transcripts); c.3529_3531del, p.Pro1177del (NM_001202435.3, NM_001353948.2); short protein forms P1148del, P1166del, P1149del, P1165del, P363del, P1177del.
Identifiers: ClinVar variation 1969094 (VCV001969094.5), dbSNP rs2468548400, ClinGen allele CA2580064350.
Genomic context (GRCh38, chr2:166,015,625, plus strand): 5'-GCACTCCAAATGAAAGATTAACATTAGGATTCTTTTCTTTACCTTCAGTGAAACAAGCTT[CTGG>C]TTCAAGAGTTTCTTCAGGTTCCACTACGGGCTGTTCTTCTACAGGTGCGCCGATGTCCAC-3'